The following is an entry in ClinVar:

ClinVar aggregate classification (germline): Benign. Review status: criteria provided, multiple submitters, no conflicts (2 of 4 stars). 4 submissions from 4 submitters: Benign (3). 1 of the submissions does not count toward it. Last evaluated 2026-02-04.

Conditions:
FOCAD-related disorder. Also called: FOCAD-related condition.

Allele frequency attached by ClinVar (database versions not stated): 1000 Genomes Project 0.33566; TOPMed 0.34985; gnomAD 0.35817 and 0.35788; ESP Exome Variant Server 0.37167; gnomAD exomes 0.37473 and 0.39654; ExAC 0.38251; 1000 Genomes Project 30x 0.32886.
gnomAD v4.1: 632,204 of 1,610,392 alleles (39%); highest among the groups gnomAD compares: Non-Finnish European, 41%; 126,429 homozygotes.

Submissions (4):

Labcorp Genetics (formerly Invitae), Labcorp
Classification: Benign. Last evaluated: 2026-02-04. Review status: criteria provided, single submitter. Criteria: Invitae Variant Classification Sherloc (09022015). Collection method: clinical testing. Allele origin: germline.

GeneDx
Classification: Benign. Last evaluated: 2019-06-14. Review status: criteria provided, single submitter. Criteria: GeneDx Variant Classification Process June 2021. Collection method: clinical testing. Allele origin: germline. Affected: yes.

Breakthrough Genomics
Classification: Benign. Review status: criteria provided, single submitter. Criteria: ACMG Guidelines, 2015. Collection method: not provided. Allele origin: germline. Inheritance: Autosomal recessive inheritance. Affected: yes.

PreventionGenetics, part of Exact Sciences
Classification: Benign for FOCAD-related condition. Last evaluated: 2019-10-17. Review status: no assertion criteria provided. Collection method: clinical testing. Allele origin: germline. Not counted in ClinVar's aggregate classification.
Comment: This variant is classified as benign based on ACMG/AMP sequence variant interpretation guidelines (Richards et al. 2015 PMID: 25741868, with internal and published modifications).

NM_001375567.1(FOCAD):c.4117A>G (p.Thr1373Ala)

Gene: FOCAD (focadhesin; plus strand). Cytogenetic location: 9p21.3.
Variant type: single nucleotide variant.
Coding change: c.4117A>G on transcript NM_001375567.1 (MANE Select); coding-DNA position 4117, A replaced by G.
Protein change: p.Thr1373Ala; replaces threonine 1373 with alanine.
Molecular consequence: missense variant.
Genome position (GRCh38, 1-based): chr9:20,953,050, A>G. VCF-style: chr9-20953050-A-G. GRCh37 (hg19) VCF-style: chr9-20953049-A-G.
Other names: c.4012A>G, p.Thr1338Ala (NM_001375568.1, NM_001375570.1); c.4117A>G, p.Thr1373Ala (NM_017794.5); short protein forms T1338A, T1373A.
Identifiers: ClinVar variation 1262381 (VCV001262381.8), dbSNP rs3206852, ClinGen allele CA5007811.